The following is an entry in ClinVar:

ClinVar aggregate classification (germline): Uncertain significance (1 of 4 stars; one submission).

Allele frequency attached by ClinVar (database versions not stated): ExAC 0.00002; gnomAD exomes 0.00002; gnomAD 0.00003; TOPMed 0.00003; ESP Exome Variant Server 0.00008.

Submission:

Labcorp Genetics (formerly Invitae), Labcorp
Classification: Uncertain significance. Last evaluated: 2025-02-24. Review status: criteria provided, single submitter. Criteria: Invitae Variant Classification Sherloc (09022015). Collection method: clinical testing. Allele origin: germline.
Comment: This sequence change replaces arginine, which is basic and polar, with glutamine, which is neutral and polar, at codon 495 of the EXPH5 protein (p.Arg495Gln). This variant is present in population databases (rs374758857, gnomAD 0.006%). This variant has not been reported in the literature in individuals affected with EXPH5-related conditions. ClinVar contains an entry for this variant (Variation ID: 1900045). An algorithm developed to predict the effect of missense changes on protein structure and function outputs the following: PolyPhen-2: "Benign". The glutamine amino acid residue is found in multiple mammalian species, which suggests that this missense change does not adversely affect protein function. In summary, the available evidence is currently insufficient to determine the role of this variant in disease. Therefore, it has been classified as a Variant of Uncertain Significance.

NM_015065.3(EXPH5):c.1484G>A (p.Arg495Gln)

Gene: EXPH5 (exophilin 5; minus strand). Cytogenetic location: 11q22.3.
Variant type: single nucleotide variant.
Coding change: c.1484G>A on transcript NM_015065.3 (MANE Select); coding-DNA position 1484, G replaced by A.
Protein change: p.Arg495Gln; replaces arginine 495 with glutamine.
Molecular consequence: missense variant.
Genome position (GRCh38, 1-based): chr11:108,514,023, C>T on the plus strand (G>A on the coding strand, the complement: EXPH5 is on the minus strand). VCF-style: chr11-108514023-C-T. GRCh37 (hg19) VCF-style: chr11-108384750-C-T.
Other names: c.1256G>A, p.Arg419Gln (NM_001144763.2); c.1016G>A, p.Arg339Gln (NM_001144764.2); c.920G>A, p.Arg307Gln (NM_001144765.2); c.1463G>A, p.Arg488Gln (NM_001308019.2); short protein forms R488Q, R307Q, R339Q, R419Q, R495Q.
Identifiers: ClinVar variation 1900045 (VCV001900045.5), dbSNP rs374758857, ClinGen allele CA6268028.